The following is an entry in ClinVar:

ClinVar aggregate classification (germline): Likely pathogenic (1 of 4 stars; one submission).

Conditions:
Pyruvate carboxylase deficiency. Also called: ATAXIA WITH LACTIC ACIDOSIS II; LEIGH NECROTIZING ENCEPHALOPATHY DUE TO PYRUVATE CARBOXYLASE DEFICIENCY; LEIGH SYNDROME DUE TO PYRUVATE CARBOXYLASE DEFICIENCY; PC DEFICIENCY; Pyruvate Carboxylase Deficiency Disease. Identifiers: Orphanet 3008, MedGen C0034341, MONDO:0009949, OMIM 266150.

Submission:

Myriad Genetics, Inc.
Classification: Likely pathogenic for Pyruvate carboxylase deficiency. Last evaluated: 2022-04-01. Review status: criteria provided, single submitter. Criteria: Myriad Women's Health Autosomal Recessive and X-Linked Classification Criteria (2021). Collection method: clinical testing. Allele origin: unknown.
Comment: NM_000920.3(PC):c.1520delT(V507Afs*3) is expected to be pathogenic in the context of pyruvate carboxylase deficiency. This variant is predicted to lead to an abnormal or absent protein product due to the creation of a premature termination codon in PC, a gene where loss-of-function variants are known to be pathogenic. Please note: this variant was assessed in the context of healthy population screening.

NM_001040716.2(PC):c.1520del (p.Val507fs)

Gene: PC (pyruvate carboxylase; minus strand). Cytogenetic location: 11q13.2.
Variant type: Deletion.
Coding change: c.1520del on transcript NM_001040716.2 (MANE Select); coding-DNA position 1520, one base deleted (T; older notation c.1520delT).
Protein change: p.Val507fs; shifts the reading frame from valine 507.
Molecular consequence: frameshift variant.
Genome position (GRCh38, 1-based): chr11:66,852,830, A deleted on the plus strand (T on the coding strand, the reverse complement: PC is on the minus strand). VCF-style (leftmost placement, unchanged base first): chr11-66852829-GA-G. GRCh37 (hg19) VCF-style: chr11-66620300-GA-G.
Other names: c.1520del, p.Val507fs (NM_000920.4, NM_022172.3); short protein forms V507fs.
Identifiers: ClinVar variation 1725780 (VCV001725780.2), dbSNP rs2495496525, ClinGen allele CA2580084622.